The following is an entry in ClinVar:

NM_001267550.2(TTN):c.49964del (p.Pro16655fs)

Genes: TTN-AS1 (TTN antisense RNA 1; plus strand), TTN (titin; minus strand). Cytogenetic location: 2q31.2.
Variant type: Deletion.
Coding change: c.49964del on transcript NM_001267550.2 (MANE Select); coding-DNA position 49964, one base deleted (C; older notation c.49964delC).
Protein change: p.Pro16655fs; shifts the reading frame from proline 16655.
Molecular consequence: frameshift variant.
Genome position (GRCh38, 1-based): chr2:178,612,561, G deleted on the plus strand (C on the coding strand, the reverse complement: TTN is on the minus strand); the first of 2 consecutive G bases (chr2:178,612,561-178,612,562); deleting either gives the same sequence. VCF-style (leftmost placement, unchanged base first): chr2-178612560-TG-T. GRCh37 (hg19) VCF-style: chr2-179477287-TG-T.
Other names: c.45041del, p.Pro15014fs (NM_001256850.1); c.22769del, p.Pro7590fs (NM_003319.4); c.42260del, p.Pro14087fs (NM_133378.4); c.23144del, p.Pro7715fs (NM_133432.3); c.23345del, p.Pro7782fs (NM_133437.4); short protein forms P14087fs, P16655fs, P15014fs, P7782fs, P7590fs, P7715fs.
Identifiers: ClinVar variation 2948213 (VCV002948213.3), dbSNP rs2470545322, ClinGen allele CA2740096161.

ClinVar aggregate classification (germline): Likely pathogenic (1 of 4 stars; one submission).

Conditions:
Dilated cardiomyopathy 1G (CMD1G). Identifiers: Orphanet 154, MedGen C1858763, MONDO:0011400, OMIM 604145.
Autosomal recessive limb-girdle muscular dystrophy type 2J (LGMDR10). Also called: Limb-girdle muscular dystrophy, type 2J; MUSCULAR DYSTROPHY, LIMB-GIRDLE, AUTOSOMAL RECESSIVE 10. Identifiers: Orphanet 140922, MedGen C1837342, MONDO:0012127, OMIM 608807.

Submission:

Labcorp Genetics (formerly Invitae), Labcorp
Classification: Likely pathogenic for Dilated cardiomyopathy 1G; Autosomal recessive limb-girdle muscular dystrophy type 2J. Last evaluated: 2023-05-25. Review status: criteria provided, single submitter. Criteria: Invitae Variant Classification Sherloc (09022015). Collection method: clinical testing. Allele origin: germline.
Comment: In summary, the currently available evidence indicates that the variant is pathogenic, but additional data are needed to prove that conclusively. Therefore, this variant has been classified as Likely Pathogenic. This variant is located in the A band of TTN (PMID: 25589632). Truncating variants in this region are significantly overrepresented in patients affected with dilated cardiomyopathy (PMID: 25589632). Truncating variants in this region have also been reported in individuals affected with autosomal recessive centronuclear myopathy (PMID: 23975875). This variant has not been reported in the literature in individuals affected with TTN-related conditions. This variant is not present in population databases (gnomAD no frequency). This sequence change creates a premature translational stop signal (p.Pro16655Hisfs*16) in the TTN gene. While this is not anticipated to result in nonsense mediated decay, it is expected to create a truncated TTN protein.

Literature cited by the submitters: PubMed 25589632; PubMed 23975875.